The following is an entry in ClinVar:

NM_000219.6(KCNE1):c.149T>C (p.Val50Ala)

Gene: KCNE1 (potassium voltage-gated channel subfamily E regulatory subunit 1; minus strand). Cytogenetic location: 21q22.12.
Variant type: single nucleotide variant.
Coding change: c.149T>C on transcript NM_000219.6 (MANE Select); coding-DNA position 149, T replaced by C.
Protein change: p.Val50Ala; replaces valine 50 with alanine.
Molecular consequence: missense variant.
Genome position (GRCh38, 1-based): chr21:34,449,486, A>G on the plus strand (T>C on the coding strand, the complement: KCNE1 is on the minus strand). VCF-style: chr21-34449486-A-G. GRCh37 (hg19) VCF-style: chr21-35821784-A-G.
Other names: c.149T>C, p.Val50Ala (NM_001127668.4, NM_001127669.4, NM_001127670.4 and 4 more transcripts); short protein forms V50A.
Identifiers: ClinVar variation 3374174 (VCV003374174.2).

Conditions:
Long QT syndrome 5 (LQT5). Identifiers: Orphanet 101016, Orphanet 768, MedGen C1867904, MONDO:0013372, OMIM 613695.

Submission:

Roden Lab, Vanderbilt University Medical Center
No classification provided (evidence only). Condition: Long QT syndrome 5. Review status: no classification provided. Collection method: in vitro. Allele origin: not applicable. Functional consequence: Effect on ion channel function.
ClinVar note: "not provided" was previously submitted as the classification for the variant. However, the classification appeared to be based only on an observation of functional data so it was converted to no classification on 2025-07-30.